The following is an entry in ClinVar:

ClinVar aggregate classification (germline): Pathogenic/Likely pathogenic. Review status: criteria provided, multiple submitters, no conflicts (2 of 4 stars). 3 submissions from 3 submitters: Pathogenic (1); Likely pathogenic (2). Last evaluated 2026-04-10.

Conditions:
Marfan syndrome (MFS). Also called: MARFAN SYNDROME, TYPE I; Marfan syndrome type 1; Marfan's syndrome; Marfan syndrome, classic; FBN1-Related Marfan Syndrome. Identifiers: Orphanet 284963, Orphanet 558, MedGen C0024796, MONDO:0007947, OMIM 154700.
Familial thoracic aortic aneurysm and aortic dissection (TAAD). Also called: Thoracic aortic aneurysms and dissections. Identifiers: Orphanet 91387, MedGen C4707243, MONDO:0019625.
Marfan Syndrome/Loeys-Dietz Syndrome/Familial Thoracic Aortic Aneurysms and Dissections. Identifiers: MedGen CN229799.

Submissions (3):

Women's Health and Genetics/Laboratory Corporation of America, LabCorp
Classification: Likely pathogenic for Marfan Syndrome/Loeys-Dietz Syndrome/Familial Thoracic Aortic Aneurysms and Dissections. Last evaluated: 2026-04-10. Review status: criteria provided, single submitter. Criteria: LabCorp Variant Classification Summary - May 2015. Collection method: clinical testing. Allele origin: germline.
Comment: Variant summary: FBN1 c.1072T>A (p.Cys358Ser) results in a non-conservative amino acid change in the encoded protein sequence. Algorithms developed to predict the effect of missense changes on protein structure and function all suggest that this variant is likely to be disruptive. Missense mutations affecting cysteine residues are listed among the criteria for a causal FBN1 mutation when identified as de novo (with proven paternity) in the revised Ghent criteria for the diagnosis of Marfan and related conditions (Loeys 2010). Based on the evidence outlined above, the variant was classified as likely pathogenic until the de novo origin of this variant is unequivocally confirmed. The variant was absent in 251334 control chromosomes. c.1072T>A has been observed in the heterozygous state in multiple individual(s) affected with clinical features of Marfan Syndrome and aortic root dilation (internal data), including at least 1 family where it segregated with disease. These data indicate that the variant may be associated with disease. To our knowledge, no experimental evidence demonstrating an impact on protein function has been reported. ClinVar contains an entry for this variant (Variation ID: 2921976). Based on the evidence outlined above, the variant was classified as likely pathogenic.

Labcorp Genetics (formerly Invitae), Labcorp
Classification: Pathogenic for Marfan syndrome; Familial thoracic aortic aneurysm and aortic dissection. Last evaluated: 2025-05-12. Review status: criteria provided, single submitter. Criteria: Invitae Variant Classification Sherloc (09022015). Collection method: clinical testing. Allele origin: germline.
Comment: This sequence change replaces cysteine, which is neutral and slightly polar, with serine, which is neutral and polar, at codon 358 of the FBN1 protein (p.Cys358Ser). This variant is not present in population databases (gnomAD no frequency). This missense change has been observed in individual(s) with clinical features of Marfan syndrome (internal data). It has also been observed to segregate with disease in related individuals. ClinVar contains an entry for this variant (Variation ID: 2921976). Invitae Evidence Modeling of protein sequence and biophysical properties (such as structural, functional, and spatial information, amino acid conservation, physicochemical variation, residue mobility, and thermodynamic stability) indicates that this missense variant is expected to disrupt FBN1 protein function with a positive predictive value of 95%. This variant affects a cysteine residue in the EGF-like, TGFBP or hybrid motif domains of FBN1. Cysteine residues are believed to be involved in intramolecular disulfide bridges and have been shown to be important for FBN1 protein structure (PMID: 16905551, 19349279). In addition, missense substitutions affecting cysteine residues within these domains are significantly overrepresented among patients with Marfan syndrome (PMID: 16571647, 17701892). This variant disrupts the p.Cys358 amino acid residue in FBN1. Other variant(s) that disrupt this residue have been observed in individuals with FBN1-related conditions (PMID: 35058154), which suggests that this may be a clinically significant amino acid residue. For these reasons, this variant has been classified as Pathogenic.

Ambry Genetics
Classification: Likely pathogenic for Familial thoracic aortic aneurysm and aortic dissection. Last evaluated: 2025-04-25. Review status: criteria provided, single submitter. Criteria: Ambry Variant Classification Scheme 2023. Collection method: clinical testing. Allele origin: germline.
Comment: The p.C358S variant (also known as c.1072T>A), located in coding exon 9 of the FBN1 gene, results from a T to A substitution at nucleotide position 1072. The cysteine at codon 358 is replaced by serine, an amino acid with dissimilar properties. The majority of FBN1 mutations identified to date have involved the substitution or generation of cysteine residues within cbEGF domains (Vollbrandt T et al. J Biol Chem. 2004;279(31):32924-32931). Internal structural analysis indicates this alteration eliminates a disulfide bond critical for the structural integrity of the TB1 domain (Ambry internal data). This variant was reported in individual(s) with features consistent with Marfan syndrome (Ambry internal data; external communication). This amino acid position is highly conserved in available vertebrate species. In addition, this alteration is predicted to be deleterious by in silico analysis. Based on the majority of available evidence to date, this variant is likely to be pathogenic.

Literature cited by the submitters: PubMed 16905551 (cited by Labcorp Genetics (formerly Invitae), Labcorp); PubMed 19349279 (cited by Labcorp Genetics (formerly Invitae), Labcorp); PubMed 16571647 (cited by Labcorp Genetics (formerly Invitae), Labcorp); PubMed 17701892 (cited by Labcorp Genetics (formerly Invitae), Labcorp); PubMed 35058154 (cited by Labcorp Genetics (formerly Invitae), Labcorp).

NM_000138.5(FBN1):c.1072T>A (p.Cys358Ser)

Genes: FBN1 (fibrillin 1; minus strand), LOC113939944 (Sharpr-MPRA regulatory region 9539; plus strand). Cytogenetic location: 15q21.1.
Variant type: single nucleotide variant.
Coding change: c.1072T>A on transcript NM_000138.5 (MANE Select); coding-DNA position 1072, T replaced by A.
Protein change: p.Cys358Ser; replaces cysteine 358 with serine.
Molecular consequence: missense variant.
Genome position (GRCh38, 1-based): chr15:48,520,734, A>T on the plus strand (T>A on the coding strand, the complement: FBN1 is on the minus strand). VCF-style: chr15-48520734-A-T. GRCh37 (hg19) VCF-style: chr15-48812931-A-T.
Other names: c.1072T>A, p.Cys358Ser (NM_001406716.1); short protein forms C358S.
Identifiers: ClinVar variation 2921976 (VCV002921976.5), dbSNP rs2505629014, ClinGen allele CA392347589.